The following is an entry in ClinVar:

NM_004612.4(TGFBR1):c.331C>G (p.Leu111Val)

Gene: TGFBR1 (transforming growth factor beta receptor 1; plus strand). Cytogenetic location: 9q22.33.
Variant type: single nucleotide variant.
Coding change: c.331C>G on transcript NM_004612.4 (MANE Select); coding-DNA position 331, C replaced by G.
Protein change: p.Leu111Val; replaces leucine 111 with valine.
Molecular consequence: missense variant.
Genome position (GRCh38, 1-based): chr9:99,129,088, C>G. VCF-style: chr9-99129088-C-G. GRCh37 (hg19) VCF-style: chr9-101891370-C-G.
Other names: c.331C>G, p.Leu111Val (NM_001130916.3, NM_001306210.2); short protein forms L111V.
Identifiers: ClinVar variation 1473074 (VCV001473074.9), dbSNP rs1244225435, ClinGen allele CA374226487.
Genomic context (GRCh38, chr9:99,129,088, plus strand): 5'-AAAACTGGGTCTGTGACTACAACATATTGCTGCAATCAGGACCATTGCAATAAAATAGAA[C>G]TTCCAACTACTGGTAAGTTGTATAAAATTTTTTTCCTAGATACTACAAGAAAAACTCTTC-3'
Protein context (NP_004603.1, residues 101-121): CNQDHCNKIE[Leu111Val]PTTVKSSPGL

ClinVar aggregate classification (germline): Uncertain significance. Review status: criteria provided, multiple submitters, no conflicts (2 of 4 stars). 2 submissions from 2 submitters: Uncertain significance (2). Last evaluated 2023-02-24.

Conditions:
Loeys-Dietz syndrome (LDS). Identifiers: Orphanet 60030, MedGen C2697932, MONDO:0018954.
Familial thoracic aortic aneurysm and aortic dissection (TAAD). Also called: Thoracic aortic aneurysms and dissections. Identifiers: Orphanet 91387, MedGen C4707243, MONDO:0019625.

Allele frequency attached by ClinVar (database versions not stated): gnomAD exomes below 0.00001.
gnomAD v4.1: 1 of 1,613,888 alleles (0.000062%); highest among the groups gnomAD compares: Non-Finnish European, 0.000085%; no homozygotes.

Submissions (2):

All of Us Research Program, National Institutes of Health
Classification: Uncertain significance for Loeys-Dietz syndrome. Last evaluated: 2023-02-24. Review status: criteria provided, single submitter. Criteria: ACMG Guidelines, 2015. Collection method: clinical testing. Allele origin: germline. Inheritance: Autosomal dominant inheritance. Observed: 1 variant allele, 1 heterozygote.
Comment: This missense variant replaces leucine with valine at codon 111 of the TGFBR1 protein. Computational prediction suggests that this variant may not impact protein structure and function (internally defined REVEL score threshold <= 0.5, PMID: 27666373). To our knowledge, functional studies have not been reported for this variant. This variant has not been reported in individuals affected with TGFBR1-related disorders in the literature. This variant has been identified in 1/250452 chromosomes in the general population by the Genome Aggregation Database (gnomAD). The available evidence is insufficient to determine the role of this variant in disease conclusively. Therefore, this variant is classified as a Variant of Uncertain Significance.

This study involves interpretation of variants in research participants for the purpose of population health screening. Participant phenotype was not available at the time of variant classification. Additional details can be found in publication PMID: 35346344, PMCID: PMC8962531

Labcorp Genetics (formerly Invitae), Labcorp
Classification: Uncertain significance for Familial thoracic aortic aneurysm and aortic dissection. Last evaluated: 2021-07-06. Review status: criteria provided, single submitter. Criteria: Invitae Variant Classification Sherloc (09022015). Collection method: clinical testing. Allele origin: germline.
Comment: In summary, the available evidence is currently insufficient to determine the role of this variant in disease. Therefore, it has been classified as a Variant of Uncertain Significance. Advanced modeling of protein sequence and biophysical properties (such as structural, functional, and spatial information, amino acid conservation, physicochemical variation, residue mobility, and thermodynamic stability) performed at Invitae indicates that this missense variant is not expected to disrupt TGFBR1 protein function. This variant has not been reported in the literature in individuals affected with TGFBR1-related conditions. This variant is not present in population databases (ExAC no frequency). This sequence change replaces leucine with valine at codon 111 of the TGFBR1 protein (p.Leu111Val). The leucine residue is moderately conserved and there is a small physicochemical difference between leucine and valine.